The following is an entry in ClinVar:

ClinVar aggregate classification (germline): Uncertain significance (1 of 4 stars; one submission).

Submission:

GeneDx
Classification: Uncertain significance. Last evaluated: 2025-04-04. Review status: criteria provided, single submitter. Criteria: GeneDx Variant Classification Process June 2021. Collection method: clinical testing. Allele origin: germline. Affected: yes.
Comment: Not observed at significant frequency in large population cohorts (gnomAD); In silico analysis supports that this missense variant has a deleterious effect on protein structure/function; Has not been previously published as pathogenic or benign to our knowledge

NM_001205293.3(CACNA1E):c.3441C>G (p.His1147Gln)

Gene: CACNA1E (calcium voltage-gated channel subunit alpha1 E; plus strand). Cytogenetic location: 1q25.3.
Variant type: single nucleotide variant.
Coding change: c.3441C>G on transcript NM_001205293.3 (MANE Select); coding-DNA position 3441, C replaced by G.
Protein change: p.His1147Gln; replaces histidine 1147 with glutamine.
Molecular consequence: missense variant.
Genome position (GRCh38, 1-based): chr1:181,737,543, C>G. VCF-style: chr1-181737543-C-G. GRCh37 (hg19) VCF-style: chr1-181706679-C-G.
Other names: c.3441C>G, p.His1147Gln (NM_000721.4); c.3384C>G, p.His1128Gln (NM_001205294.2); short protein forms H1128Q, H1147Q.
Identifiers: ClinVar variation 3373755 (VCV003373755.2).